The following is an entry in ClinVar:

ClinVar aggregate classification (germline): Uncertain significance. Review status: criteria provided, multiple submitters, no conflicts (2 of 4 stars). 2 submissions from 2 submitters: Uncertain significance (2). Last evaluated 2025-04-30.

Conditions:
Frontotemporal dementia and/or amyotrophic lateral sclerosis 4. Also called: FTDALS4. Identifiers: Orphanet 275872, MedGen C4225325, MONDO:0014641, OMIM 616439.

Allele frequency attached by ClinVar (database versions not stated): gnomAD 0.00002; gnomAD exomes 0.00002; TOPMed 0.00002; ExAC 0.00003.
gnomAD v4.1: 33 of 1,569,094 alleles (0.0021%); highest among the groups gnomAD compares: Non-Finnish European, 0.0027%; no homozygotes.

Submissions (2):

Labcorp Genetics (formerly Invitae), Labcorp
Classification: Uncertain significance for Frontotemporal dementia and/or amyotrophic lateral sclerosis 4. Last evaluated: 2025-04-30. Review status: criteria provided, single submitter. Criteria: Invitae Variant Classification Sherloc (09022015). Collection method: clinical testing. Allele origin: germline.
Comment: This sequence change replaces arginine, which is basic and polar, with cysteine, which is neutral and slightly polar, at codon 573 of the TBK1 protein (p.Arg573Cys). The frequency data for this variant in the population databases is considered unreliable, as metrics indicate poor data quality at this position in the gnomAD database. This missense change has been observed in individual(s) with frontotemporal dementia (PMID: 31914217, 35260199). ClinVar contains an entry for this variant (Variation ID: 1484859). Invitae Evidence Modeling of protein sequence and biophysical properties (such as structural, functional, and spatial information, amino acid conservation, physicochemical variation, residue mobility, and thermodynamic stability) indicates that this missense variant is not expected to disrupt TBK1 protein function with a negative predictive value of 95%. In summary, the available evidence is currently insufficient to determine the role of this variant in disease. Therefore, it has been classified as a Variant of Uncertain Significance.

GeneDx
Classification: Uncertain significance. Last evaluated: 2024-08-30. Review status: criteria provided, single submitter. Criteria: GeneDx Variant Classification Process June 2021. Collection method: clinical testing. Allele origin: germline. Affected: yes.
Comment: Observed in a patient with sporadic frontotemporal dementia (PMID: 31914217); In silico analysis supports that this missense variant has a deleterious effect on protein structure/function; This variant is associated with the following publications: (PMID: 31914217, 35260199)

Literature cited by the submitters: PubMed 31914217 (cited by Labcorp Genetics (formerly Invitae), Labcorp); PubMed 35260199 (cited by Labcorp Genetics (formerly Invitae), Labcorp).

NM_013254.4(TBK1):c.1717C>T (p.Arg573Cys)

Gene: TBK1 (TANK binding kinase 1; plus strand). Cytogenetic location: 12q14.2.
Variant type: single nucleotide variant.
Coding change: c.1717C>T on transcript NM_013254.4 (MANE Select); coding-DNA position 1717, C replaced by T.
Protein change: p.Arg573Cys; replaces arginine 573 with cysteine.
Molecular consequence: missense variant.
Genome position (GRCh38, 1-based): chr12:64,495,772, C>T. VCF-style: chr12-64495772-C-T. GRCh37 (hg19) VCF-style: chr12-64889552-C-T.
Other names: c.1717C>T (NM_013254.3); short protein forms R573C.
Identifiers: ClinVar variation 1484859 (VCV001484859.7), dbSNP rs772820487, ClinGen allele CA6669133.